The following is an entry in ClinVar:

ClinVar aggregate classification (germline): Uncertain significance (1 of 4 stars; one submission).

Conditions:
Duchenne muscular dystrophy (DMD). Also called: Duchenne Muscular Dystrophy (DMD); MUSCULAR DYSTROPHY, PSEUDOHYPERTROPHIC PROGRESSIVE, DUCHENNE TYPE. Identifiers: Orphanet 98896, MedGen C0013264, MONDO:0010679, OMIM 310200.

Submission:

Labcorp Genetics (formerly Invitae), Labcorp
Classification: Uncertain significance for Duchenne muscular dystrophy. Last evaluated: 2022-03-25. Review status: criteria provided, single submitter. Criteria: Invitae Variant Classification Sherloc (09022015). Collection method: clinical testing. Allele origin: germline.
Comment: In summary, the available evidence is currently insufficient to determine the role of this variant in disease. Therefore, it has been classified as a Variant of Uncertain Significance. Experimental studies and prediction algorithms are not available or were not evaluated, and the functional significance of this variant is currently unknown. A similar copy number variant has been observed in individual(s) with clinical features of DMD-related conditions (Invitae). This variant results in a copy number gain of the genomic region encompassing exon(s) 16-23 of the DMD gene. While the exact position of this variant cannot be determined from the data, sub-genic copy number gains are generally in tandem (PMID: 25640679). This variant is predicted to be in-frame, and likely preserves the integrity of the reading frame.

Literature cited by the submitters: PubMed 25640679.

NC_000023.10:g.(?_32486595)_(32584018_?)dup

Gene: DMD (dystrophin; minus strand). Cytogenetic location: Xp21.1.
Variant type: Duplication.
Identifiers: ClinVar variation 2424953 (VCV002424953.3).